The following is an entry in ClinVar:

NM_001166114.2(PNPLA6):c.2833A>G (p.Lys945Glu)

Gene: PNPLA6 (patatin like domain 6, lysophospholipase; plus strand). Cytogenetic location: 19p13.2.
Variant type: single nucleotide variant.
Coding change: c.2833A>G on transcript NM_001166114.2 (MANE Select); coding-DNA position 2833, A replaced by G.
Protein change: p.Lys945Glu; replaces lysine 945 with glutamic acid.
Molecular consequence: missense variant.
Genome position (GRCh38, 1-based): chr19:7,555,264, A>G. VCF-style: chr19-7555264-A-G. GRCh37 (hg19) VCF-style: chr19-7620150-A-G.
Other names: c.2863A>G, p.Lys955Glu (NM_001166111.2); c.2638A>G, p.Lys880Glu (NM_001166112.2); c.2719A>G, p.Lys907Glu (NM_001166113.1, NM_006702.5); short protein forms K880E, K907E, K945E, K955E.
Identifiers: ClinVar variation 1011675 (VCV001011675.6), dbSNP rs958813626, ClinGen allele CA304879302.

ClinVar aggregate classification (germline): Uncertain significance (1 of 4 stars; one submission).

Conditions:
Hereditary spastic paraplegia 39 (SPG39). Also called: SPASTIC PARAPLEGIA 39, AUTOSOMAL RECESSIVE; Spastic Paraplegia Type 39 (SPG39). Identifiers: Orphanet 139480, MedGen C2677586, MONDO:0012787, OMIM 612020.

Allele frequency attached by ClinVar (database versions not stated): TOPMed below 0.00001.

Submission:

Labcorp Genetics (formerly Invitae), Labcorp
Classification: Uncertain significance for Hereditary spastic paraplegia 39. Last evaluated: 2022-05-03. Review status: criteria provided, single submitter. Criteria: Invitae Variant Classification Sherloc (09022015). Collection method: clinical testing. Allele origin: germline.
Comment: This sequence change replaces lysine, which is basic and polar, with glutamic acid, which is acidic and polar, at codon 907 of the PNPLA6 protein (p.Lys907Glu). This variant is not present in population databases (gnomAD no frequency). This variant has not been reported in the literature in individuals affected with PNPLA6-related conditions. ClinVar contains an entry for this variant (Variation ID: 1011675). Algorithms developed to predict the effect of missense changes on protein structure and function are either unavailable or do not agree on the potential impact of this missense change (SIFT: "Deleterious"; PolyPhen-2: "Benign"; Align-GVGD: "Class C0"). In summary, the available evidence is currently insufficient to determine the role of this variant in disease. Therefore, it has been classified as a Variant of Uncertain Significance.